The following is an entry in ClinVar:

NM_022489.4(INF2):c.2161A>G (p.Met721Val)

Gene: INF2 (inverted formin 2; plus strand). Cytogenetic location: 14q32.33.
Variant type: single nucleotide variant.
Coding change: c.2161A>G on transcript NM_022489.4 (MANE Select); coding-DNA position 2161, A replaced by G.
Protein change: p.Met721Val; replaces methionine 721 with valine.
Molecular consequence: missense variant. On other transcripts: non-coding transcript variant (1).
Genome position (GRCh38, 1-based): chr14:104,710,110, A>G. VCF-style: chr14-104710110-A-G. GRCh37 (hg19) VCF-style: chr14-105176447-A-G.
Other names: c.2161A>G, p.Met721Val (NM_001031714.4, NM_001426862.1, NM_001426863.1 and 2 more transcripts); short protein forms M721V.
Identifiers: ClinVar variation 4681745 (VCV004681745.5).

ClinVar aggregate classification (germline): Uncertain significance (1 of 4 stars; one submission).

Submission:

CeGaT Center for Human Genetics Tuebingen
Classification: Uncertain significance. Last evaluated: 2025-12-01. Review status: criteria provided, single submitter. Criteria: CeGaT Center For Human Genetics Tuebingen Variant Classification Criteria Version 2. Collection method: clinical testing. Allele origin: germline. Affected: yes. Observed: 1 variant allele.
Comment: INF2: PM2, PP2, BP4